The following is an entry in ClinVar:

NM_001161352.2(KCNMA1):c.297del (p.Phe99fs)

Gene: KCNMA1 (potassium calcium-activated channel subfamily M alpha 1; minus strand). Cytogenetic location: 10q22.3.
Variant type: Deletion.
Coding change: c.297del on transcript NM_001161352.2 (MANE Select); coding-DNA position 297, one base deleted (C; older notation c.297delC).
Protein change: p.Phe99fs; shifts the reading frame from phenylalanine 99.
Molecular consequence: frameshift variant.
Genome position (GRCh38, 1-based): chr10:77,637,346, G deleted on the plus strand (C on the coding strand, the reverse complement: KCNMA1 is on the minus strand). VCF-style (leftmost placement, unchanged base first): chr10-77637345-CG-C. GRCh37 (hg19) VCF-style: chr10-79397103-CG-C.
Other names: c.297del, p.Phe99fs (NM_001014797.3, NM_001161353.2, NM_001271518.2 and 13 more transcripts); short protein forms F99fs.
Identifiers: ClinVar variation 3728777 (VCV003728777.2).

ClinVar aggregate classification (germline): Pathogenic (1 of 4 stars; one submission).

Conditions:
Generalized epilepsy-paroxysmal dyskinesia syndrome (PNKD3). Also called: Generalized epilepsy and paroxysmal dyskinesia; Paroxysmal nonkinesigenic dyskinesia, 3, with or without generalized epilepsy. Identifiers: Orphanet 79137, MedGen C5574945, MONDO:0012276, OMIM 609446.

Submission:

Labcorp Genetics (formerly Invitae), Labcorp
Classification: Pathogenic for Generalized epilepsy-paroxysmal dyskinesia syndrome. Last evaluated: 2025-01-11. Review status: criteria provided, single submitter. Criteria: Invitae Variant Classification Sherloc (09022015). Collection method: clinical testing. Allele origin: germline.
Comment: This sequence change creates a premature translational stop signal (p.Phe99Leufs*61) in the KCNMA1 gene. It is expected to result in an absent or disrupted protein product. Loss-of-function variants in KCNMA1 are known to be pathogenic (PMID: 27567911, 29545233). This variant is not present in population databases (gnomAD no frequency). This variant has not been reported in the literature in individuals affected with KCNMA1-related conditions. For these reasons, this variant has been classified as Pathogenic.

Literature cited by the submitters: PubMed 27567911; PubMed 29545233.